The following is an entry in ClinVar:

ClinVar aggregate classification (germline): Conflicting classifications of pathogenicity. Review status: criteria provided, conflicting classifications (1 of 4 stars). 5 submissions from 5 submitters: Likely pathogenic (3); Uncertain significance (2). Last evaluated 2025-03-04.

Conditions:
Bardet-Biedl syndrome 2 (BBS2). Identifiers: Orphanet 110, MedGen C2936863, MONDO:0014432, OMIM 615981.
BBS2-related disorder. Also called: BBS2-related condition; BBS2-related disorders. Identifiers: MedGen CN239228.
Bardet-Biedl syndrome (BBS). Identifiers: Orphanet 110, MedGen C0752166, MONDO:0015229.

Allele frequency attached by ClinVar (database versions not stated): gnomAD 0.00001; gnomAD exomes 0.00001.
gnomAD v4.1: 9 of 1,613,894 alleles (0.00056%); highest among the groups gnomAD compares: Non-Finnish European, 0.00076%; no homozygotes.

Submissions (5):

Natera, Inc.
Classification: Likely pathogenic for Bardet-Biedl syndrome type 2. Last evaluated: 2025-03-04. Review status: criteria provided, single submitter. Criteria: Natera Variant Classification Schema (03/2026). Collection method: clinical testing. Allele origin: germline.
Comment: The c.653G>A variant in BBS2 is a missense variant predicted to cause substitution of glycine to aspartic acid at amino acid 218. This variant is rare in the general population with a frequency below the threshold expected for the associated phenotype(s). This variant has been observed in one or more individuals affected with the associated recessive disease, as either homozygous or compound heterozygous with a second variant (PMID: 39092430, 35112343). This variant has been identified in one or more affected individual with a phenotype highly consistent with the associated gene (PMID: 39092430). Computational prediction algorithms indicate this variant is likely to affect gene or protein function. Given the available evidence, this variant is classified as Likely Pathogenic.

Blueprint Genetics
Classification: Likely pathogenic for BBS2-related disorders. Last evaluated: 2024-10-09. Review status: criteria provided, single submitter. Criteria: ACMG Guidelines, 2015. Collection method: clinical testing. Allele origin: germline. Affected: yes. Observed: 3 variant alleles.

Labcorp Genetics (formerly Invitae), Labcorp
Classification: Uncertain significance for Bardet-Biedl syndrome. Last evaluated: 2024-08-31. Review status: criteria provided, single submitter. Criteria: Invitae Variant Classification Sherloc (09022015). Collection method: clinical testing. Allele origin: germline.
Comment: This sequence change replaces glycine, which is neutral and non-polar, with aspartic acid, which is acidic and polar, at codon 218 of the BBS2 protein (p.Gly218Asp). This variant is present in population databases (no rsID available, gnomAD 0.0008%). This missense change has been observed in individual(s) with autosomal recessive Bardet-Biedl syndrome (PMID: 35112343). Invitae Evidence Modeling of protein sequence and biophysical properties (such as structural, functional, and spatial information, amino acid conservation, physicochemical variation, residue mobility, and thermodynamic stability) indicates that this missense variant is expected to disrupt BBS2 protein function with a positive predictive value of 80%. In summary, the available evidence is currently insufficient to determine the role of this variant in disease. Therefore, it has been classified as a Variant of Uncertain Significance.

Baylor Genetics
Classification: Likely pathogenic for Bardet-Biedl syndrome 2. Last evaluated: 2023-08-25. Review status: criteria provided, single submitter. Criteria: ACMG Guidelines, 2015. Collection method: clinical testing. Allele origin: unknown.

DNA-diagnostics Laboratory, Research Centre For Medical Genetics
Classification: Uncertain significance for Bardet-Biedl syndrome 2. Review status: criteria provided, single submitter. Criteria: ACMG Guidelines, 2015. Collection method: clinical testing. Allele origin: germline. Affected: yes.

Literature cited by the submitters: PubMed 39092430 (cited by Natera, Inc.); PubMed 35112343 (cited by Natera, Inc. and Labcorp Genetics (formerly Invitae), Labcorp).

NM_031885.5(BBS2):c.653G>A (p.Gly218Asp)

Gene: BBS2 (Bardet-Biedl syndrome 2; minus strand). Cytogenetic location: 16q13.
Variant type: single nucleotide variant.
Coding change: c.653G>A on transcript NM_031885.5 (MANE Select); coding-DNA position 653, G replaced by A.
Protein change: p.Gly218Asp; replaces glycine 218 with aspartic acid.
Molecular consequence: missense variant. On other transcripts: non-coding transcript variant (5).
Genome position (GRCh38, 1-based): chr16:56,506,184, C>T on the plus strand (G>A on the coding strand, the complement: BBS2 is on the minus strand). VCF-style: chr16-56506184-C-T. GRCh37 (hg19) VCF-style: chr16-56540096-C-T.
Other names: c.653G>A (NM_031885.3); c.653G>A, p.Gly218Asp (NM_001377456.1); short protein forms G218D.
Identifiers: ClinVar variation 2680013 (VCV002680013.6), dbSNP rs1375309270, ClinGen allele CA395983118.
Genomic context (GRCh38, chr16:56,506,184, plus strand): 5'-ATTCTCCAGTATCGGGATGTTTTGTCATAAACTCCAACTGTGCCATTGGAAAGGGCATAA[C>T]CAAATCGACTGCCATACATGGGACAAAGAGAGGTGACTATCTGCAAAACAATCCACAAAA-3'
Protein context (NP_114091.4, residues 208-228): SLCPMYGSRF[Gly218Asp]YALSNGTVGV